The following is an entry in ClinVar:

ClinVar aggregate classification (germline): Pathogenic/Likely pathogenic. Review status: criteria provided, multiple submitters, no conflicts (2 of 4 stars). 3 submissions from 3 submitters: Pathogenic (1); Likely pathogenic (2). Last evaluated 2025-10-22.

Conditions:
GNE myopathy (NM). Also called: NONAKA DISTAL MYOPATHY; INCLUSION BODY MYOPATHY, HEREDITARY, AUTOSOMAL RECESSIVE; IBM 2; Inclusion body myopathy autosomal recessive; Inclusion body myopathy quadriceps sparing; INCLUSION BODY MYOPATHY 2, AUTOSOMAL RECESSIVE. Identifiers: Orphanet 602, MedGen C1853926, MONDO:0011603, OMIM 605820.
Sialuria. Also called: SIALURIA, FRENCH TYPE; Sialic Acid Storage Disease. Identifiers: Orphanet 3166, MedGen C0342853, MONDO:0010028, OMIM 269921.

Allele frequency attached by ClinVar (database versions not stated): gnomAD exomes below 0.00001.

Submissions (3):

Labcorp Genetics (formerly Invitae), Labcorp
Classification: Pathogenic for Sialuria; GNE myopathy. Last evaluated: 2025-10-22. Review status: criteria provided, single submitter. Criteria: Invitae Variant Classification Sherloc (09022015). Collection method: clinical testing. Allele origin: germline.
Comment: This sequence change creates a premature translational stop signal (p.Gln371*) in the GNE gene. It is expected to result in an absent or disrupted protein product. Loss-of-function variants in GNE are known to be pathogenic (PMID: 24027297). This variant is present in population databases (no rsID available, gnomAD 0.007%). This variant has not been reported in the literature in individuals affected with GNE-related conditions. ClinVar contains an entry for this variant (Variation ID: 1388859). For these reasons, this variant has been classified as Pathogenic.

Natera, Inc.
Classification: Likely pathogenic for Nonaka myopathy. Last evaluated: 2024-12-22. Review status: criteria provided, single submitter. Criteria: Natera Variant Classification Schema (03/2026). Collection method: clinical testing. Allele origin: germline.
Comment: The c.1111C>T variant in GNE is a nonsense variant predicted to introduce a stop codon at amino acid 371. This variant is expected to result in nonsense mediated decay, truncation, or a dysfunctional protein product. This variant is rare in the general population with a frequency below the threshold expected for the associated phenotype(s). Given the available evidence, this variant is classified as Likely Pathogenic.

Baylor Genetics
Classification: Likely pathogenic for GNE myopathy. Last evaluated: 2023-04-08. Review status: criteria provided, single submitter. Criteria: ACMG Guidelines, 2015. Collection method: clinical testing. Allele origin: unknown.

Literature cited by the submitters: PubMed 24027297 (cited by Labcorp Genetics (formerly Invitae), Labcorp).

NM_005476.7(GNE):c.1018C>T (p.Gln340Ter)

Gene: GNE (glucosamine (UDP-N-acetyl)-2-epimerase/N-acetylmannosamine kinase; minus strand). Cytogenetic location: 9p13.3.
Variant type: single nucleotide variant.
Coding change: c.1018C>T on transcript NM_005476.7 (MANE Select); coding-DNA position 1018, C replaced by T.
Protein change: p.Gln340Ter; replaces glutamine 340 with a stop codon.
Molecular consequence: nonsense.
Genome position (GRCh38, 1-based): chr9:36,229,073, G>A on the plus strand (C>T on the coding strand, the complement: GNE is on the minus strand). VCF-style: chr9-36229073-G-A. GRCh37 (hg19) VCF-style: chr9-36229070-G-A.
Other names: c.1111C>T, p.Gln371Ter (NM_001128227.3); c.1018C>T, p.Gln340Ter (NM_001190383.3); c.688C>T, p.Gln230Ter (NM_001190384.3); c.841C>T, p.Gln281Ter (NM_001190388.2, NM_001374798.1); c.865C>T, p.Gln289Ter (NM_001374797.1); c.1111C>T (NM_001128227.2); short protein forms Q340*, Q230*, Q281*, Q371*, Q289*.
Identifiers: ClinVar variation 1388859 (VCV001388859.8), dbSNP rs983424324, ClinGen allele CA192848659.